The following is an entry in ClinVar:

NM_001042492.3(NF1):c.8038C>G (p.Pro2680Ala)

Gene: NF1 (neurofibromin 1; plus strand). Cytogenetic location: 17q11.2.
Variant type: single nucleotide variant.
Coding change: c.8038C>G on transcript NM_001042492.3 (MANE Select); coding-DNA position 8038, C replaced by G.
Protein change: p.Pro2680Ala; replaces proline 2680 with alanine.
Molecular consequence: missense variant.
Genome position (GRCh38, 1-based): chr17:31,358,547, C>G. VCF-style: chr17-31358547-C-G. GRCh37 (hg19) VCF-style: chr17-29685565-C-G.
Other names: c.7975C>G, p.Pro2659Ala (NM_000267.4); short protein forms P2659A, P2680A.
Identifiers: ClinVar variation 4860899 (VCV004860899.1).
Genomic context (GRCh38, chr17:31,358,547, plus strand): 5'-TTGTTGGACTCTAAGATCAACACCCTGTTATCATTGTGCCAAGATCCAAATTTGTTAAAT[C>G]CAATCCATGGAATTGTGCAGAGTGTGGTGTACCATGAAGAATCCCCACCACAATACCAAA-3'
Protein context (NP_001035957.1, residues 2670-2690): SLCQDPNLLN[Pro2680Ala]IHGIVQSVVY

ClinVar aggregate classification (germline): Uncertain significance (1 of 4 stars; one submission).

Conditions:
Cardiovascular phenotype. Identifiers: MedGen CN230736.
Hereditary cancer-predisposing syndrome. Also called: Neoplastic Syndromes, Hereditary; Tumor predisposition; Hereditary Cancer Syndrome; Hereditary neoplastic syndrome. Identifiers: Orphanet 140162, MedGen C0027672, MeSH D009386, MONDO:0015356.

Submission:

Ambry Genetics
Classification: Uncertain significance for Cardiovascular phenotype; Hereditary cancer-predisposing syndrome. Last evaluated: 2026-04-03. Review status: criteria provided, single submitter. Criteria: Ambry Variant Classification Scheme 2023. Collection method: clinical testing. Allele origin: germline.
Comment: The p.P2659A variant (also known as c.7975C>G), located in coding exon 54 of the NF1 gene, results from a C to G substitution at nucleotide position 7975. The proline at codon 2659 is replaced by alanine, an amino acid with highly similar properties. This amino acid position is conserved. In addition, the in silico prediction for this alteration is inconclusive. Based on the available evidence, the clinical significance of this variant remains unclear.